The following is an entry in ClinVar:

ClinVar aggregate classification (germline): Uncertain significance (1 of 4 stars; one submission).

Submission:

GeneDx
Classification: Uncertain significance. Last evaluated: 2020-10-27. Review status: criteria provided, single submitter. Criteria: GeneDx Variant Classification Process June 2021. Collection method: clinical testing. Allele origin: germline. Affected: yes.
Comment: Not observed in large population cohorts (Lek et al., 2016); In silico analysis supports that this missense variant has a deleterious effect on protein structure/function; Has not been previously published as pathogenic or benign to our knowledge

NM_000525.4(KCNJ11):c.945T>G (p.Phe315Leu)

Gene: KCNJ11 (potassium inwardly rectifying channel subfamily J member 11; minus strand). Cytogenetic location: 11p15.1.
Variant type: single nucleotide variant.
Coding change: c.945T>G on transcript NM_000525.4 (MANE Select); coding-DNA position 945, T replaced by G.
Protein change: p.Phe315Leu; replaces phenylalanine 315 with leucine.
Molecular consequence: missense variant.
Genome position (GRCh38, 1-based): chr11:17,387,147, A>C on the plus strand (T>G on the coding strand, the complement: KCNJ11 is on the minus strand). VCF-style: chr11-17387147-A-C. GRCh37 (hg19) VCF-style: chr11-17408694-A-C.
Other names: c.684T>G, p.Phe228Leu (NM_001166290.2, NM_001377296.1, NM_001377297.1); short protein forms F228L, F315L.
Identifiers: ClinVar variation 1303818 (VCV001303818.2), dbSNP rs2133379120, ClinGen allele CA379769703.